The following is an entry in ClinVar:

NM_005216.5(DDOST):c.573C>A (p.Asn191Lys)

Gene: DDOST (dolichyl-diphosphooligosaccharide--protein glycosyltransferase non-catalytic subunit; minus strand). Cytogenetic location: 1p36.12.
Variant type: single nucleotide variant.
Coding change: c.573C>A on transcript NM_005216.5 (MANE Select); coding-DNA position 573, C replaced by A.
Protein change: p.Asn191Lys; replaces asparagine 191 with lysine.
Molecular consequence: missense variant.
Genome position (GRCh38, 1-based): chr1:20,654,686, G>T on the plus strand (C>A on the coding strand, the complement: DDOST is on the minus strand). VCF-style: chr1-20654686-G-T. GRCh37 (hg19) VCF-style: chr1-20981179-G-T.
Other names: short protein forms N191K.
Identifiers: ClinVar variation 1031522 (VCV001031522.7), dbSNP rs1038330038, ClinGen allele CA18970300.

ClinVar aggregate classification (germline): Uncertain significance. Review status: criteria provided, multiple submitters, no conflicts (2 of 4 stars). 3 submissions from 3 submitters: Uncertain significance (3). Last evaluated 2024-03-25.

Conditions:
Congenital disorder of glycosylation type Ir (CDG1R). Also called: DDOST-congenital disorder of glycosylation. Identifiers: Orphanet 300536, MedGen C3281084, MONDO:0013789, OMIM 614507.

Allele frequency attached by ClinVar (database versions not stated): gnomAD exomes below 0.00001 and 0.00002; gnomAD 0.00005 and 0.00006; TOPMed 0.00005.
gnomAD v4.1: 15 of 1,559,860 alleles (0.00096%); highest among the groups gnomAD compares: African/African-American, 0.011%; no homozygotes.

Submissions (3):

Ambry Genetics
Classification: Uncertain significance. Last evaluated: 2024-03-25. Review status: criteria provided, single submitter. Criteria: Ambry Variant Classification Scheme 2023. Collection method: clinical testing. Allele origin: germline.

Labcorp Genetics (formerly Invitae), Labcorp
Classification: Uncertain significance for Congenital disorder of glycosylation type Ir. Last evaluated: 2022-03-18. Review status: criteria provided, single submitter. Criteria: Invitae Variant Classification Sherloc (09022015). Collection method: clinical testing. Allele origin: germline.
Comment: Algorithms developed to predict the effect of missense changes on protein structure and function are either unavailable or do not agree on the potential impact of this missense change (SIFT: "Tolerated"; PolyPhen-2: "Possibly Damaging"; Align-GVGD: "Class C0"). In summary, the available evidence is currently insufficient to determine the role of this variant in disease. Therefore, it has been classified as a Variant of Uncertain Significance. This sequence change replaces asparagine, which is neutral and polar, with lysine, which is basic and polar, at codon 208 of the DDOST protein (p.Asn208Lys). The frequency data for this variant in the population databases is considered unreliable, as metrics indicate poor data quality at this position in the gnomAD database. This variant has not been reported in the literature in individuals affected with DDOST-related conditions. ClinVar contains an entry for this variant (Variation ID: 1031522).

Baylor Genetics
Classification: Uncertain significance for Congenital disorder of glycosylation type Ir. Last evaluated: 2018-04-18. Review status: criteria provided, single submitter. Criteria: ACMG Guidelines, 2015. Collection method: clinical testing. Allele origin: maternal. Affected: yes.
Comment: This variant was determined to be of uncertain significance according to ACMG Guidelines, 2015 [PMID:25741868].